The following is an entry in ClinVar:

ClinVar aggregate classification (germline): Uncertain significance (1 of 4 stars; one submission).

Allele frequency attached by ClinVar (database versions not stated): gnomAD exomes 0.00001; ExAC 0.00002.
gnomAD v4.1: 8 of 1,614,042 alleles (0.0005%); highest among the groups gnomAD compares: South Asian, 0.0011%; no homozygotes.

Submission:

Labcorp Genetics (formerly Invitae), Labcorp
Classification: Uncertain significance. Last evaluated: 2025-10-13. Review status: criteria provided, single submitter. Criteria: Invitae Variant Classification Sherloc (09022015). Collection method: clinical testing. Allele origin: germline.
Comment: This sequence change replaces arginine, which is basic and polar, with glutamine, which is neutral and polar, at codon 493 of the REST protein (p.Arg493Gln). This variant is present in population databases (rs755693790, gnomAD 0.003%). This variant has not been reported in the literature in individuals affected with REST-related conditions. ClinVar contains an entry for this variant (Variation ID: 1985971). An algorithm developed to predict the effect of missense changes on protein structure and function (PolyPhen-2) suggests that this variant is likely to be disruptive. In summary, the available evidence is currently insufficient to determine the role of this variant in disease. Therefore, it has been classified as a Variant of Uncertain Significance.

NM_005612.5(REST):c.1478G>A (p.Arg493Gln)

Gene: REST (RE1 silencing transcription factor; plus strand). Cytogenetic location: 4q12.
Variant type: single nucleotide variant.
Coding change: c.1478G>A on transcript NM_005612.5 (MANE Select); coding-DNA position 1478, G replaced by A.
Protein change: p.Arg493Gln; replaces arginine 493 with glutamine.
Molecular consequence: missense variant.
Genome position (GRCh38, 1-based): chr4:56,930,336, G>A. VCF-style: chr4-56930336-G-A. GRCh37 (hg19) VCF-style: chr4-57796502-G-A.
Other names: c.1478G>A, p.Arg493Gln (NM_001193508.2, NM_001363453.3); short protein forms R493Q.
Identifiers: ClinVar variation 1985971 (VCV001985971.4), dbSNP rs755693790, ClinGen allele CA2932273.